The following is an entry in ClinVar:

ClinVar aggregate classification (germline): Uncertain significance (1 of 4 stars; one submission).

Submission:

GeneDx
Classification: Uncertain significance. Last evaluated: 2024-10-24. Review status: criteria provided, single submitter. Criteria: GeneDx Variant Classification Process June 2021. Collection method: clinical testing. Allele origin: germline. Affected: yes.
Comment: Not observed at significant frequency in large population cohorts (gnomAD); In silico analysis indicates that this missense variant does not alter protein structure/function; Has not been previously published as pathogenic or benign to our knowledge

NM_006922.4(SCN3A):c.4729C>G (p.Leu1577Val)

Gene: SCN3A (sodium voltage-gated channel alpha subunit 3; minus strand). Cytogenetic location: 2q24.3.
Variant type: single nucleotide variant.
Coding change: c.4729C>G on transcript NM_006922.4 (MANE Select); coding-DNA position 4729, C replaced by G.
Protein change: p.Leu1577Val; replaces leucine 1577 with valine.
Molecular consequence: missense variant.
Genome position (GRCh38, 1-based): chr2:165,092,332, G>C on the plus strand (C>G on the coding strand, the complement: SCN3A is on the minus strand). VCF-style: chr2-165092332-G-C. GRCh37 (hg19) VCF-style: chr2-165948842-G-C.
Other names: c.4582C>G, p.Leu1528Val (NM_001081676.2, NM_001081677.2); short protein forms L1528V, L1577V.
Identifiers: ClinVar variation 3893517 (VCV003893517.1).